The following is an entry in ClinVar:

ClinVar aggregate classification (germline): Uncertain significance. Review status: criteria provided, multiple submitters, no conflicts (2 of 4 stars). 5 submissions from 5 submitters: Uncertain significance (4). 1 of the submissions does not count toward it. Last evaluated 2023-04-11.

Conditions:
Glycogen storage disease type III (GSD3). Also called: FORBES DISEASE; Cori disease. Identifiers: Orphanet 366, MedGen C0017922, MONDO:0009291, OMIM 232400.
Inborn genetic diseases. Identifiers: MedGen C0950123, MeSH D030342.

Allele frequency attached by ClinVar (database versions not stated): gnomAD exomes below 0.00001 and 0.00001; TOPMed below 0.00001; ExAC 0.00001; gnomAD 0.00001.
gnomAD v4.1: 8 of 1,613,552 alleles (0.0005%); highest among the groups gnomAD compares: Non-Finnish European, 0.00068%; no homozygotes.

Submissions (5):

Genome-Nilou Lab
Classification: Uncertain significance for Glycogen storage disease type III. Last evaluated: 2023-04-11. Review status: criteria provided, single submitter. Criteria: ACMG Guidelines, 2015. Collection method: clinical testing. Allele origin: germline. Affected: no.

Ambry Genetics
Classification: Uncertain significance for Inborn genetic diseases. Last evaluated: 2022-05-11. Review status: criteria provided, single submitter. Criteria: Ambry Variant Classification Scheme 2023. Collection method: clinical testing. Allele origin: germline.

Labcorp Genetics (formerly Invitae), Labcorp
Classification: Uncertain significance for Glycogen storage disease type III. Last evaluated: 2021-09-01. Review status: criteria provided, single submitter. Criteria: Invitae Variant Classification Sherloc (09022015). Collection method: clinical testing. Allele origin: germline.
Comment: This sequence change replaces leucine with arginine at codon 83 of the AGL protein (p.Leu83Arg). The leucine residue is moderately conserved and there is a moderate physicochemical difference between leucine and arginine. This variant is present in population databases (rs560703902, ExAC 0.001%). This variant has not been reported in the literature in individuals affected with AGL-related conditions. Algorithms developed to predict the effect of missense changes on protein structure and function are either unavailable or do not agree on the potential impact of this missense change (SIFT: "Deleterious"; PolyPhen-2: "Possibly Damaging"; Align-GVGD: "Class C0"). Algorithms developed to predict the effect of sequence changes on RNA splicing suggest that this variant may create or strengthen a splice site. In summary, the available evidence is currently insufficient to determine the role of this variant in disease. Therefore, it has been classified as a Variant of Uncertain Significance.

Fulgent Genetics
Classification: Uncertain significance for Glycogen storage disease type III. Last evaluated: 2021-07-01. Review status: criteria provided, single submitter. Criteria: ACMG Guidelines, 2015. Collection method: clinical testing. Allele origin: unknown.

Natera, Inc.
Classification: Uncertain significance for Glycogen storage disease type III. Last evaluated: 2020-08-04. Review status: no assertion criteria provided. Collection method: clinical testing. Allele origin: germline. Not counted in ClinVar's aggregate classification.

NM_000642.3(AGL):c.248T>G (p.Leu83Arg)

Gene: AGL (amylo-alpha-1,6-glucosidase and 4-alpha-glucanotransferase; plus strand). Cytogenetic location: 1p21.2.
Variant type: single nucleotide variant.
Coding change: c.248T>G on transcript NM_000642.3 (MANE Select); coding-DNA position 248, T replaced by G.
Protein change: p.Leu83Arg; replaces leucine 83 with arginine.
Molecular consequence: missense variant.
Genome position (GRCh38, 1-based): chr1:99,861,668, T>G. VCF-style: chr1-99861668-T-G. GRCh37 (hg19) VCF-style: chr1-100327224-T-G.
Other names: c.248T>G, p.Leu83Arg (NM_000028.3, NM_000643.3, NM_000644.3 and 5 more transcripts); c.200T>G, p.Leu67Arg (NM_000646.3); short protein forms L83R, L67R.
Identifiers: ClinVar variation 565832 (VCV000565832.11), dbSNP rs560703902, ClinGen allele CA966097.